The following is an entry in ClinVar:

NM_001367624.2(ZNF469):c.1894T>C (p.Ser632Pro)

Gene: ZNF469 (zinc finger protein 469; plus strand). Cytogenetic location: 16q24.2.
Variant type: single nucleotide variant.
Coding change: c.1894T>C on transcript NM_001367624.2 (MANE Select); coding-DNA position 1894, T replaced by C.
Protein change: p.Ser632Pro; replaces serine 632 with proline.
Molecular consequence: missense variant.
Genome position (GRCh38, 1-based): chr16:88,429,364, T>C. VCF-style: chr16-88429364-T-C. GRCh37 (hg19) VCF-style: chr16-88495772-T-C.
Other names: short protein forms S632P.
Identifiers: ClinVar variation 3772500 (VCV003772500.14).

ClinVar aggregate classification (germline): Uncertain significance. Review status: criteria provided, multiple submitters, no conflicts (2 of 4 stars). 2 submissions from 2 submitters: Uncertain significance (2). Last evaluated 2025-10-15.

gnomAD v4.1: 4 of 1,549,478 alleles (0.00026%); highest among the groups gnomAD compares: Non-Finnish European, 0.00035%; no homozygotes.

Submissions (2):

Women's Health and Genetics/Laboratory Corporation of America, LabCorp
Classification: Uncertain significance. Last evaluated: 2025-10-15. Review status: criteria provided, single submitter. Criteria: LabCorp Variant Classification Summary - May 2015. Collection method: clinical testing. Allele origin: germline.
Comment: Variant summary: ZNF469 c.1894T>C (p.Ser632Pro) results in a non-conservative amino acid change in the encoded protein sequence. Algorithms developed to predict the effect of missense changes on protein structure and function are either unavailable or do not agree on the potential impact of this missense change. The variant was absent in 148324 control chromosomes. The available data on variant occurrences in the general population are insufficient to allow any conclusion about variant significance. To our knowledge, no occurrence of c.1894T>C in individuals affected with ZNF469-related conditions and no experimental evidence demonstrating its impact on protein function have been reported. ClinVar contains an entry for this variant (Variation ID: 3772500). Based on the evidence outlined above, the variant was classified as uncertain significance.

CeGaT Center for Human Genetics Tuebingen
Classification: Uncertain significance. Last evaluated: 2025-02-01. Review status: criteria provided, single submitter. Criteria: CeGaT Center For Human Genetics Tuebingen Variant Classification Criteria Version 2. Collection method: clinical testing. Allele origin: germline. Affected: yes. Observed: 1 variant allele.
Comment: ZNF469: PM2, BP4